The following is an entry in ClinVar:

ClinVar aggregate classification (germline): Uncertain significance (1 of 4 stars; one submission).

Conditions:
DICER1-related tumor predisposition. Also called: DICER1 syndrome; DICER1-related pleuropulmonary blastoma cancer predisposition syndrome. Identifiers: Orphanet 284343, MedGen C3839822, MONDO:0100216.

Submission:

Labcorp Genetics (formerly Invitae), Labcorp
Classification: Uncertain significance for DICER1-related tumor predisposition. Last evaluated: 2019-06-26. Review status: criteria provided, single submitter. Criteria: Invitae Variant Classification Sherloc (09022015). Collection method: clinical testing. Allele origin: germline.
Comment: This sequence change replaces cysteine with tyrosine at codon 63 of the DICER1 protein (p.Cys63Tyr). The cysteine residue is highly conserved and there is a large physicochemical difference between cysteine and tyrosine. This variant is not present in population databases (ExAC no frequency). This variant has not been reported in the literature in individuals with DICER1-related conditions. Algorithms developed to predict the effect of missense changes on protein structure and function are either unavailable or do not agree on the potential impact of this missense change (SIFT: "Tolerated"; PolyPhen-2: "Probably Damaging"; Align-GVGD: "Class C0"). In summary, the available evidence is currently insufficient to determine the role of this variant in disease. Therefore, it has been classified as a Variant of Uncertain Significance.

NM_177438.3(DICER1):c.188G>A (p.Cys63Tyr)

Gene: DICER1 (dicer 1, ribonuclease III; minus strand). Cytogenetic location: 14q32.13.
Variant type: single nucleotide variant.
Coding change: c.188G>A on transcript NM_177438.3 (MANE Select); coding-DNA position 188, G replaced by A.
Protein change: p.Cys63Tyr; replaces cysteine 63 with tyrosine.
Molecular consequence: missense variant.
Genome position (GRCh38, 1-based): chr14:95,132,634, C>T on the plus strand (G>A on the coding strand, the complement: DICER1 is on the minus strand). VCF-style: chr14-95132634-C-T. GRCh37 (hg19) VCF-style: chr14-95598971-C-T.
Other names: c.188G>A, p.Cys63Tyr (NM_001195573.1, NM_001271282.3, NM_001291628.2 and 1 more transcripts); short protein forms C63Y.
Identifiers: ClinVar variation 949357 (VCV000949357.11), dbSNP rs1894050914, ClinGen allele CA390890041.